The following is an entry in ClinVar:

ClinVar aggregate classification (germline): Likely benign. Review status: criteria provided, single submitter (1 of 4 stars). 2 submissions from 2 submitters: Likely benign (1). 1 of the submissions does not count toward it. Last evaluated 2022-08-23.

Conditions:
RFT1-related disorder. Also called: RFT1-related condition.
RFT1-congenital disorder of glycosylation (CDG1N). Also called: RFT1-CDG; CDG In; Congenital disorder of glycosylation type In. Identifiers: Orphanet 244310, MedGen C2677590, MONDO:0012783, OMIM 612015.

Allele frequency attached by ClinVar (database versions not stated): gnomAD exomes below 0.00001; TOPMed below 0.00001.
gnomAD v4.1: 1 of 1,613,942 alleles (0.000062%); highest among the groups gnomAD compares: Admixed American, 0.0017%; no homozygotes.

Submissions (2):

Labcorp Genetics (formerly Invitae), Labcorp
Classification: Likely benign for RFT1-congenital disorder of glycosylation. Last evaluated: 2022-08-23. Review status: criteria provided, single submitter. Criteria: Invitae Variant Classification Sherloc (09022015). Collection method: clinical testing. Allele origin: germline.

PreventionGenetics, part of Exact Sciences
Classification: Likely benign for RFT1-related condition. Last evaluated: 2020-01-07. Review status: no assertion criteria provided. Collection method: clinical testing. Allele origin: germline. Not counted in ClinVar's aggregate classification.
Comment: This variant is classified as likely benign based on ACMG/AMP sequence variant interpretation guidelines (Richards et al. 2015 PMID: 25741868, with internal and published modifications).

NM_052859.4(RFT1):c.373C>T (p.Leu125=)

Gene: RFT1 (RFT1 glycolipid translocator homolog; minus strand). Cytogenetic location: 3p21.1.
Variant type: single nucleotide variant.
Coding change: c.373C>T on transcript NM_052859.4 (MANE Select); coding-DNA position 373, C replaced by T.
Protein change: p.Leu125=; no amino-acid change (leucine 125 retained).
Molecular consequence: synonymous variant.
Genome position (GRCh38, 1-based): chr3:53,122,457, G>A on the plus strand (C>T on the coding strand, the complement: RFT1 is on the minus strand). VCF-style: chr3-53122457-G-A. GRCh37 (hg19) VCF-style: chr3-53156473-G-A.
Other names: c.373C>T (NM_052859.3).
Identifiers: ClinVar variation 1620210 (VCV001620210.10), dbSNP rs1701996497, ClinGen allele CA433795520.